The following is an entry in ClinVar:

ClinVar aggregate classification (germline): Uncertain significance (1 of 4 stars; one submission).

gnomAD v4.1: 1 of 1,613,932 alleles (0.000062%); highest among the groups gnomAD compares: Non-Finnish European, 0.000085%; no homozygotes.

Submission:

Labcorp Genetics (formerly Invitae), Labcorp
Classification: Uncertain significance. Last evaluated: 2022-02-25. Review status: criteria provided, single submitter. Criteria: Invitae Variant Classification Sherloc (09022015). Collection method: clinical testing. Allele origin: germline.
Comment: This sequence change replaces alanine, which is neutral and non-polar, with valine, which is neutral and non-polar, at codon 467 of the USH1C protein (p.Ala467Val). This variant is not present in population databases (gnomAD no frequency). This variant has not been reported in the literature in individuals affected with USH1C-related conditions. Algorithms developed to predict the effect of missense changes on protein structure and function are either unavailable or do not agree on the potential impact of this missense change (SIFT: "Deleterious"; PolyPhen-2: "Possibly Damaging"; Align-GVGD: "Class C0"). In summary, the available evidence is currently insufficient to determine the role of this variant in disease. Therefore, it has been classified as a Variant of Uncertain Significance.

NM_153676.4(USH1C):c.2300C>T (p.Ala767Val)

Gene: USH1C (USH1 protein network component harmonin; minus strand). Cytogenetic location: 11p15.1.
Variant type: single nucleotide variant.
Coding change: c.2300C>T on transcript NM_153676.4 (MANE Select); coding-DNA position 2300, C replaced by T.
Protein change: p.Ala767Val; replaces alanine 767 with valine.
Molecular consequence: missense variant. On other transcripts: non-coding transcript variant (1).
Genome position (GRCh38, 1-based): chr11:17,501,131, G>A on the plus strand (C>T on the coding strand, the complement: USH1C is on the minus strand). VCF-style: chr11-17501131-G-A. GRCh37 (hg19) VCF-style: chr11-17522678-G-A.
Other names: c.1343C>T, p.Ala448Val (NM_001297764.2); c.1400C>T, p.Ala467Val (NM_005709.4); short protein forms A467V, A448V, A767V.
Identifiers: ClinVar variation 2103242 (VCV002103242.4), dbSNP rs1257828310, ClinGen allele CA379803170.